The following is an entry in ClinVar:

ClinVar aggregate classification (germline): Conflicting classifications of pathogenicity. Review status: criteria provided, conflicting classifications (1 of 4 stars). 2 submissions from 2 submitters: Uncertain significance (1); Likely benign (1). Last evaluated 2025-10-01.

Conditions:
Cardiovascular phenotype. Identifiers: MedGen CN230736.
Hereditary cancer-predisposing syndrome. Also called: Neoplastic Syndromes, Hereditary; Tumor predisposition; Hereditary neoplastic syndrome; Hereditary Cancer Syndrome. Identifiers: Orphanet 140162, MedGen C0027672, MeSH D009386, MONDO:0015356.
Neurofibromatosis, type 1 (NF1). Also called: Peripheral type neurofibromatosis; VON RECKLINGHAUSEN DISEASE; NEUROFIBROMATOSIS, TYPE I, SOMATIC; Neurofibromatosis, type I. Identifiers: Orphanet 636, MedGen C0027831, MONDO:0018975, OMIM 162200. Disease mechanism: loss of function.

Allele frequency attached by ClinVar (database versions not stated): ExAC 0.00001; gnomAD 0.00001; gnomAD exomes 0.00001.
gnomAD v4.1: 7 of 1,613,804 alleles (0.00043%); highest among the groups gnomAD compares: South Asian, 0.0077%; no homozygotes.

Submissions (2):

Labcorp Genetics (formerly Invitae), Labcorp
Classification: Uncertain significance for Neurofibromatosis, type 1. Last evaluated: 2025-10-01. Review status: criteria provided, single submitter. Criteria: Invitae Variant Classification Sherloc (09022015). Collection method: clinical testing. Allele origin: germline.
Comment: This sequence change replaces glutamine, which is neutral and polar, with arginine, which is basic and polar, at codon 2567 of the NF1 protein (p.Gln2567Arg). This variant is present in population databases (rs775450260, gnomAD 0.01%). This variant has not been reported in the literature in individuals affected with NF1-related conditions. ClinVar contains an entry for this variant (Variation ID: 1760222). Invitae Evidence Modeling of protein sequence and biophysical properties (such as structural, functional, and spatial information, amino acid conservation, physicochemical variation, residue mobility, and thermodynamic stability) indicates that this missense variant is not expected to disrupt NF1 protein function with a negative predictive value of 95%. In summary, the available evidence is currently insufficient to determine the role of this variant in disease. Therefore, it has been classified as a Variant of Uncertain Significance.

Ambry Genetics
Classification: Likely benign for Cardiovascular phenotype; Hereditary cancer-predisposing syndrome. Last evaluated: 2022-03-07. Review status: criteria provided, single submitter. Criteria: Ambry Variant Classification Scheme 2023. Collection method: clinical testing. Allele origin: germline.

NM_001042492.3(NF1):c.7763A>G (p.Gln2588Arg)

Gene: NF1 (neurofibromin 1; plus strand). Cytogenetic location: 17q11.2.
Variant type: single nucleotide variant.
Coding change: c.7763A>G on transcript NM_001042492.3 (MANE Select); coding-DNA position 7763, A replaced by G.
Protein change: p.Gln2588Arg; replaces glutamine 2588 with arginine.
Molecular consequence: missense variant.
Genome position (GRCh38, 1-based): chr17:31,356,984, A>G. VCF-style: chr17-31356984-A-G. GRCh37 (hg19) VCF-style: chr17-29684002-A-G.
Other names: c.7700A>G, p.Gln2567Arg (NM_000267.4); short protein forms Q2567R, Q2588R.
Identifiers: ClinVar variation 1760222 (VCV001760222.7), dbSNP rs775450260, ClinGen allele CA8487661.